The following is an entry in ClinVar:

ClinVar aggregate classification (germline): Conflicting classifications of pathogenicity. Review status: criteria provided, conflicting classifications (1 of 4 stars). 5 submissions from 5 submitters: Uncertain significance (3); Likely benign (2). Last evaluated 2026-06-30.

Conditions:
Hajdu-Cheney syndrome (HJCYS). Also called: SERPENTINE FIBULA-POLYCYSTIC KIDNEY SYNDROME; Acroosteolysis dominant type; ACROOSTEOLYSIS WITH OSTEOPOROSIS AND CHANGES IN SKULL AND MANDIBLE. Identifiers: Orphanet 955, MedGen C0917715, MONDO:0007057, OMIM 102500.
NOTCH2-related disorder. Also called: NOTCH2-related condition.

Allele frequency attached by ClinVar (database versions not stated): gnomAD 0.00005 and 0.00007; TOPMed 0.00007; ESP Exome Variant Server 0.00008; ExAC 0.00012; gnomAD exomes 0.00014; 1000 Genomes Project 30x 0.00016; 1000 Genomes Project 0.00020.
gnomAD v4.1: 169 of 1,614,172 alleles (0.01%); highest among the groups gnomAD compares: East Asian, 0.15%; no homozygotes.

Submissions (6):

PreventionGenetics, part of Exact Sciences
Classification: Uncertain significance for NOTCH2-related condition. Last evaluated: 2026-06-30. Review status: criteria provided, single submitter. Criteria: ACMG Guidelines, 2015. Collection method: clinical testing. Allele origin: germline.
Comment: The NOTCH2 c.2816C>T variant is predicted to result in the amino acid substitution p.Pro939Leu. This variant has been observed de novo in patient with Hajdu–Cheney syndrome and assessed as variant of unknow significance by the authors (Table 2, Kamil et al. 2021. PubMed ID: 34217350). This variant is reported in 0.14% of alleles in individuals of East Asian descent in gnomAD, which is higher than expected for a pathogenic variant in this gene. Although we suspect that this variant may be benign, at this time, the clinical significance of this variant is uncertain due to the absence of conclusive functional and genetic evidence.

Women's Health and Genetics/Laboratory Corporation of America, LabCorp
Classification: Likely benign. Last evaluated: 2026-04-23. Review status: criteria provided, single submitter. Criteria: LabCorp Variant Classification Summary - May 2015. Collection method: clinical testing. Allele origin: germline.
Comment: Variant summary: NOTCH2 c.2816C>T (p.Pro939Leu) results in a non-conservative amino acid change in the encoded protein sequence. Algorithms developed to predict the effect of missense changes on protein structure and function are either unavailable or do not agree on the potential impact of this missense change. The variant allele was found at a frequency of 0.00014 in 251336 control chromosomes, predominantly at a frequency of 0.0015 within the East Asian subpopulation in the gnomAD database. The observed variant frequency within East Asian control individuals in the gnomAD database exceeds the estimated maximal expected allele frequency for disease-causing variants in NOTCH2. c.2816C>T has been observed as a de novo occurrence in an individual affected with Hajdu-Cheney Syndrome (Kamil_2021). This report does not provide unequivocal conclusions about association of the variant with Hajdu-Cheney Syndrome. To our knowledge, no experimental evidence demonstrating an impact on protein function has been reported. The following publications have been ascertained in the context of this evaluation (PMID: 34217350, 35918752). ClinVar contains an entry for this variant (Variation ID: 596709). Based on the evidence outlined above, the variant was classified as likely benign.

Labcorp Genetics (formerly Invitae), Labcorp
Classification: Likely benign for Hajdu-Cheney syndrome. Last evaluated: 2025-09-11. Review status: criteria provided, single submitter. Criteria: Invitae Variant Classification Sherloc (09022015). Collection method: clinical testing. Allele origin: germline.

Revvity Omics, Revvity
Classification: Uncertain significance. Last evaluated: 2019-10-02. Review status: criteria provided, single submitter. Criteria: ACMG Guidelines, 2015. Collection method: clinical testing. Allele origin: germline.

Eurofins Ntd Llc (ga)
Classification: Uncertain significance. Last evaluated: 2018-03-30. Review status: criteria provided, single submitter. Criteria: EGL ClinVar v180209 classification definitions. Collection method: clinical testing. Allele origin: germline. Observed: 3 variant alleles, 3 heterozygotes.

Dr. Peter K. Rogan Lab, Western University
No classification provided (evidence only). Condition: Ovarian serous cystadenocarcinoma. Review status: no classification provided. Collection method: in vitro. Allele origin: not applicable. Functional consequence: retained intron. Not counted in ClinVar's aggregate classification.

Literature cited by the submitters: PubMed 34217350 (cited by Women's Health and Genetics/Laboratory Corporation of America, LabCorp); PubMed 35918752 (cited by Women's Health and Genetics/Laboratory Corporation of America, LabCorp).

NM_024408.4(NOTCH2):c.2816C>T (p.Pro939Leu)

Gene: NOTCH2 (notch receptor 2; minus strand). Cytogenetic location: 1p12.
Variant type: single nucleotide variant.
Coding change: c.2816C>T on transcript NM_024408.4 (MANE Select); coding-DNA position 2816, C replaced by T.
Protein change: p.Pro939Leu; replaces proline 939 with leucine.
Molecular consequence: missense variant.
Genome position (GRCh38, 1-based): chr1:119,941,691, G>A on the plus strand (C>T on the coding strand, the complement: NOTCH2 is on the minus strand). VCF-style: chr1-119941691-G-A. GRCh37 (hg19) VCF-style: chr1-120484314-G-A.
Other names: c.2816C>T, p.Pro939Leu (NM_001200001.2); short protein forms P939L.
Identifiers: ClinVar variation 596709 (VCV000596709.21), dbSNP rs201100122, ClinGen allele CA1040195.